The following is an entry in ClinVar:

ClinVar aggregate classification (germline): Uncertain significance (1 of 4 stars; one submission).

Conditions:
EIF4A2-related disorder. Also called: EIF4A2-related condition.

Submission:

PreventionGenetics, part of Exact Sciences
Classification: Uncertain significance for EIF4A2-related condition. Last evaluated: 2022-08-25. Review status: criteria provided, single submitter. Criteria: ACMG Guidelines, 2015. Collection method: clinical testing. Allele origin: germline.
Comment: The EIF4A2 c.-7_13del20 variant is predicted to disrupt the translation initiation site (Start loss). To our knowledge, this variant has not been reported in the literature or in a large population database, indicating this variant is rare. At this time, the clinical significance of this variant is uncertain due to the absence of conclusive functional and genetic evidence.

NM_001967.4(EIF4A2):c.-7_13del (p.Met1fs)

Gene: EIF4A2 (eukaryotic translation initiation factor 4A2; plus strand). Cytogenetic location: 3q27.3.
Variant type: Deletion.
Coding change: c.-7_13del on transcript NM_001967.4 (MANE Select); 7 bases upstream of the start codon through coding-DNA position 13, 20 bases deleted (TCGGATCATGTCTGGTGGCT).
Protein change: p.Met1fs; shifts the reading frame from methionine 1.
Molecular consequence: frameshift variant, initiator codon variant.
Genome position (GRCh38, 1-based): chr3:186,783,604-186,783,623, TCGGATCATGTCTGGTGGCT deleted; deleting any 20 consecutive bases within chr3:186,783,603-186,783,623 gives the same sequence; the c. name uses the placement nearest the transcript's 3' end. VCF-style (leftmost placement, unchanged base first): chr3-186783602-TTTCGGATCATGTCTGGTGGC-T. GRCh37 (hg19) VCF-style: chr3-186501391-TTTCGGATCATGTCTGGTGGC-T.
Other names: short protein forms M1fs.
Identifiers: ClinVar variation 2636384 (VCV002636384.1), dbSNP rs2473955808, ClinGen allele CA2695199347.